The following is an entry in ClinVar:

NM_004181.5(UCHL1):c.566C>T (p.Ser189Leu)

Gene: UCHL1 (ubiquitin C-terminal hydrolase L1; plus strand). Cytogenetic location: 4p13.
Variant type: single nucleotide variant.
Coding change: c.566C>T on transcript NM_004181.5 (MANE Select); coding-DNA position 566, C replaced by T.
Protein change: p.Ser189Leu; replaces serine 189 with leucine.
Molecular consequence: missense variant.
Genome position (GRCh38, 1-based): chr4:41,264,142, C>T. VCF-style: chr4-41264142-C-T. GRCh37 (hg19) VCF-style: chr4-41266159-C-T.
Other names: short protein forms S189L.
Identifiers: ClinVar variation 2583021 (VCV002583021.25), dbSNP rs1225040436, ClinGen allele CA356733330.

ClinVar aggregate classification (germline): Uncertain significance (1 of 4 stars; one submission).

Allele frequency attached by ClinVar (database versions not stated): TOPMed below 0.00001; gnomAD exomes 0.00001.
gnomAD v4.1: 24 of 1,614,212 alleles (0.0015%); highest among the groups gnomAD compares: Non-Finnish European, 0.0018%; no homozygotes.

Submission:

CeGaT Center for Human Genetics Tuebingen
Classification: Uncertain significance. Last evaluated: 2023-09-01. Review status: criteria provided, single submitter. Criteria: CeGaT Center For Human Genetics Tuebingen Variant Classification Criteria Version 2. Collection method: clinical testing. Allele origin: germline. Affected: yes. Observed: 1 variant allele.
Comment: UCHL1: PM2, BP4